The following continues an entry in ClinVar:

NM_000059.4(BRCA2):c.8364G>A (p.Trp2788Ter)

Gene: BRCA2. ClinVar aggregate classification (germline): Pathogenic. Pathogenic (1).

Submissions 11 to 16 of 16:

Juno Genomics, Hangzhou Juno Genomics, Inc
Classification: Pathogenic for Familial cancer of breast; Breast-ovarian cancer, familial, susceptibility to, 2; Glioma susceptibility 3; Medulloblastoma; Pancreatic cancer, susceptibility to, 2; Familial prostate cancer; Fanconi anemia complementation group D1; Wilms tumor 1. Review status: criteria provided, single submitter. Criteria: ACMG Guidelines, 2015. Collection method: clinical testing. Allele origin: germline. Not counted in ClinVar's aggregate classification.
Comment: Absent from controls (or at extremely low frequency if recessive) in Genome Aggregation Database.;Null variant in a gene where loss of function (LOF) is a known mechanism of disease.;The prevalence of the variant in affected individuals is significantly increased compared to the prevalence in controls.

PreventionGenetics, part of Exact Sciences
Classification: Pathogenic for BRCA2-related condition. Last evaluated: 2024-03-29. Review status: no assertion criteria provided. Collection method: clinical testing. Allele origin: germline. Not counted in ClinVar's aggregate classification.
Comment: The BRCA2 c.8364G>A variant is predicted to result in premature protein termination (p.Trp2788*). This variant was reported in individuals with breast and/or ovarian cancer (Table S3, Sun et al. 2017. PubMed ID: 28724667; Table S3, Labidi-Galy et al. 2018. PubMed ID: 29084914; Table S1, De Talhouet et al. 2020. PubMed ID: 32341426). This variant has not been reported in a large population database, indicating this variant is rare. This variant is interpreted as pathogenic in ClinVar. Nonsense variants in BRCA2 are expected to be pathogenic. This variant is interpreted as pathogenic.

Laboratory for Genotyping Development, RIKEN
Classification: Pathogenic for Gastric cancer. Last evaluated: 2021-07-01. Review status: no assertion criteria provided. Collection method: research. Allele origin: germline. Not counted in ClinVar's aggregate classification.

Research Molecular Genetics Laboratory, Women's College Hospital, University of Toronto
Classification: Pathogenic for Hereditary breast ovarian cancer syndrome. Last evaluated: 2014-01-31. Review status: no assertion criteria provided. Collection method: research. Allele origin: germline. Affected: yes. Study: The Canadian Open Genetics Repository (COGR). Not counted in ClinVar's aggregate classification.

Clinical Genetics Laboratory, Department of Pathology, Netherlands Cancer Institute
Classification: Pathogenic. Review status: no assertion criteria provided. Collection method: clinical testing. Allele origin: germline. Affected: yes. Study: VKGL Data-share Consensus. Not counted in ClinVar's aggregate classification.

Diagnostic Laboratory, Department of Genetics, University Medical Center Groningen
Classification: Pathogenic for Breast-ovarian cancer, familial, susceptibility to, 2. Review status: no assertion criteria provided. Collection method: clinical testing. Allele origin: germline. Affected: yes. Study: VKGL Data-share Consensus. Not counted in ClinVar's aggregate classification.

Literature cited by the submitters: PubMed 20104584 (cited by Labcorp Genetics (formerly Invitae), Labcorp); PubMed 24010542 (cited by Color Diagnostics, LLC DBA Color Health); PubMed 26028024 (cited by Color Diagnostics, LLC DBA Color Health); PubMed 29446198 (cited by Color Diagnostics, LLC DBA Color Health and Women's Health and Genetics/Laboratory Corporation of America, LabCorp); PubMed 31853058 (cited by Color Diagnostics, LLC DBA Color Health); PubMed 22762150 (cited by Ambry Genetics); PubMed 24156927 (cited by Johns Hopkins Genomics, Johns Hopkins University); PubMed 31209999 (cited by Johns Hopkins Genomics, Johns Hopkins University); PubMed 36988593 (cited by Laboratory for Genotyping Development, RIKEN).